The following is an entry in ClinVar:

NM_003014.4(SFRP4):c.817_855+5dup

Gene: SFRP4 (secreted frizzled related protein 4; minus strand). Cytogenetic location: 7p14.1.
Variant type: Duplication.
Coding change: c.817_855+5dup on transcript NM_003014.4 (MANE Select); coding-DNA position 817 through 5 bases into the intron after coding-DNA position 855, 44 bases duplicated.
Molecular consequence: splice donor variant.
Genome position (GRCh38, 1-based): chr7:37,909,612-37,909,655, 44 bases duplicated. GRCh37 (hg19): chr7:37,949,214-37,949,257.
Identifiers: ClinVar variation 2186808 (VCV002186808.2), dbSNP rs1245538802, ClinGen allele CA573962816.

ClinVar aggregate classification (germline): Uncertain significance (1 of 4 stars; one submission).

Allele frequency attached by ClinVar (database versions not stated): gnomAD exomes below 0.00001; gnomAD 0.00003.

Submission:

Labcorp Genetics (formerly Invitae), Labcorp
Classification: Uncertain significance. Last evaluated: 2022-09-07. Review status: criteria provided, single submitter. Criteria: Invitae Variant Classification Sherloc (09022015). Collection method: clinical testing. Allele origin: germline.
Comment: In summary, the available evidence is currently insufficient to determine the role of this variant in disease. Therefore, it has been classified as a Variant of Uncertain Significance. Variants that disrupt the consensus splice site are a relatively common cause of aberrant splicing (PMID: 17576681, 9536098). Algorithms developed to predict the effect of sequence changes on RNA splicing suggest that this variant may disrupt the consensus splice site. This variant has not been reported in the literature in individuals affected with SFRP4-related conditions. This variant is present in population databases (no rsID available, gnomAD 0.007%). This sequence change falls in intron 5 of the SFRP4 gene. It does not directly change the encoded amino acid sequence of the SFRP4 protein. It affects a nucleotide within the consensus splice site.

Literature cited by the submitters: PubMed 17576681; PubMed 9536098.